The following is an entry in ClinVar:

NM_001903.5(CTNNA1):c.645GAA[1] (p.Lys216del)

Gene: CTNNA1 (catenin alpha 1; plus strand). Cytogenetic location: 5q31.2.
Variant type: Microsatellite.
Coding change: c.645GAA[1] on transcript NM_001903.5 (MANE Select); one copy of the 3-base unit GAA starting at c.645; the reference has two copies in a row; one copy, 3 bases deleted; also written c.648_650del.
Protein change: p.Lys216del; deletes lysine 216.
Molecular consequence: inframe deletion.
Genome position (GRCh38, 1-based): chr5:138,824,589-138,824,591, GAA deleted; deleting any 3 consecutive bases within chr5:138,824,585-138,824,591 gives the same sequence; the position shown is the placement nearest the transcript's 3' end. VCF-style (leftmost placement, unchanged base first): chr5-138824584-CAGA-C. GRCh37 (hg19) VCF-style: chr5-138160273-CAGA-C.
Other names: c.645GAA[1], p.Lys216del (NM_001290307.3, NM_001323982.2, NM_001323983.1 and 3 more transcripts); c.336GAA[1], p.Lys113del (NM_001290309.3); c.276GAA[1], p.Lys93del (NM_001290310.3); c.648_650del (NM_001903.3); c.648_650delGAA (NM_001903.2); short protein forms K216del, K93del, K113del.
Identifiers: ClinVar variation 662910 (VCV000662910.10), dbSNP rs1397480575, ClinGen allele CA563294738.

ClinVar aggregate classification (germline): Conflicting classifications of pathogenicity. Review status: criteria provided, conflicting classifications (1 of 4 stars). 2 submissions from 2 submitters: Uncertain significance (1); Likely benign (1). Last evaluated 2025-12-01.

Conditions:
Hereditary cancer-predisposing syndrome. Also called: Neoplastic Syndromes, Hereditary; Tumor predisposition; Hereditary neoplastic syndrome; Hereditary Cancer Syndrome. Identifiers: Orphanet 140162, MedGen C0027672, MeSH D009386, MONDO:0015356.

Submissions (2):

Labcorp Genetics (formerly Invitae), Labcorp
Classification: Uncertain significance. Last evaluated: 2025-12-01. Review status: criteria provided, single submitter. Criteria: Invitae Variant Classification Sherloc (09022015). Collection method: clinical testing. Allele origin: germline.
Comment: This variant, c.648_650del, results in the deletion of 1 amino acid(s) of the CTNNA1 protein (p.Lys216del), but otherwise preserves the integrity of the reading frame. This variant is present in population databases (no rsID available, gnomAD 0.009%). This variant has not been reported in the literature in individuals affected with CTNNA1-related conditions. ClinVar contains an entry for this variant (Variation ID: 662910). Experimental studies and prediction algorithms are not available or were not evaluated, and the functional significance of this variant is currently unknown. In summary, the available evidence is currently insufficient to determine the role of this variant in disease. Therefore, it has been classified as a Variant of Uncertain Significance.

Ambry Genetics
Classification: Likely benign for Hereditary cancer-predisposing syndrome. Last evaluated: 2022-11-14. Review status: criteria provided, single submitter. Criteria: Ambry Variant Classification Scheme 2023. Collection method: clinical testing. Allele origin: germline.